The following is an entry in ClinVar:

NM_001287491.2(TET3):c.486del (p.Ala163fs)

Gene: TET3 (tet methylcytosine dioxygenase 3; plus strand). Cytogenetic location: 2p13.1.
Variant type: Deletion.
Coding change: c.486del on transcript NM_001287491.2 (MANE Select); coding-DNA position 486, one base deleted (C; older notation c.486delC).
Protein change: p.Ala163fs; shifts the reading frame from alanine 163.
Molecular consequence: frameshift variant.
Genome position (GRCh38, 1-based): chr2:74,046,403, C deleted; the last of 3 consecutive C bases (chr2:74,046,401-74,046,403); deleting any one gives the same sequence. VCF-style (leftmost placement, unchanged base first): chr2-74046400-GC-G. GRCh37 (hg19) VCF-style: chr2-74273527-GC-G.
Other names: c.207del, p.Ala70fs (NM_001366022.1); short protein forms A70fs, A163fs.
Identifiers: ClinVar variation 5006336 (VCV005006336.2).

ClinVar aggregate classification (germline): Uncertain significance (1 of 4 stars; one submission).

Conditions:
Beck-Fahrner syndrome (BEFAHRS). Identifiers: Orphanet 684216, MedGen C5394097, MONDO:0032922, OMIM 618798.

Submission:

Juno Genomics, Hangzhou Juno Genomics, Inc
Classification: Uncertain significance for Beck-Fahrner syndrome. Review status: criteria provided, single submitter. Criteria: ACMG Guidelines, 2015. Collection method: clinical testing. Allele origin: germline.
Comment: Absent from controls (or at extremely low frequency if recessive) in Genome Aggregation Database.